The following is an entry in ClinVar:

NM_001002295.2(GATA3):c.872A>G (p.Tyr291Cys)

Gene: GATA3 (GATA binding protein 3; plus strand). Cytogenetic location: 10p14.
Variant type: single nucleotide variant.
Coding change: c.872A>G on transcript NM_001002295.2 (MANE Select); coding-DNA position 872, A replaced by G.
Protein change: p.Tyr291Cys; replaces tyrosine 291 with cysteine.
Molecular consequence: missense variant.
Genome position (GRCh38, 1-based): chr10:8,064,086, A>G. VCF-style: chr10-8064086-A-G. GRCh37 (hg19) VCF-style: chr10-8106049-A-G.
Other names: c.869A>G, p.Tyr290Cys (NM_002051.3); short protein forms Y290C, Y291C.
Identifiers: ClinVar variation 1716859 (VCV001716859.6), dbSNP rs2131500944, ClinGen allele CA375973578.

ClinVar aggregate classification (germline): Uncertain significance. Review status: criteria provided, multiple submitters, no conflicts (2 of 4 stars). 2 submissions from 2 submitters: Uncertain significance (2). Last evaluated 2025-10-14.

Conditions:
Hypoparathyroidism, deafness, renal disease syndrome (HDRS). Also called: HYPOPARATHYROIDISM, SENSORINEURAL DEAFNESS, AND RENAL DYSPLASIA SYNDROME. Identifiers: Orphanet 2237, MedGen C1840333, MONDO:0007797, OMIM 146255.

Submissions (2):

Labcorp Genetics (formerly Invitae), Labcorp
Classification: Uncertain significance. Last evaluated: 2025-10-14. Review status: criteria provided, single submitter. Criteria: Invitae Variant Classification Sherloc (09022015). Collection method: clinical testing. Allele origin: germline.
Comment: This sequence change replaces tyrosine, which is neutral and polar, with cysteine, which is neutral and slightly polar, at codon 291 of the GATA3 protein (p.Tyr291Cys). This variant is not present in population databases (gnomAD no frequency). This variant has not been reported in the literature in individuals affected with GATA3-related conditions. ClinVar contains an entry for this variant (Variation ID: 1716859). Invitae Evidence Modeling of protein sequence and biophysical properties (such as structural, functional, and spatial information, amino acid conservation, physicochemical variation, residue mobility, and thermodynamic stability) indicates that this missense variant is expected to disrupt GATA3 protein function with a positive predictive value of 80%. In summary, the available evidence is currently insufficient to determine the role of this variant in disease. Therefore, it has been classified as a Variant of Uncertain Significance.

3billion
Classification: Uncertain significance for Hypoparathyroidism, deafness, renal disease syndrome. Last evaluated: 2024-06-28. Review status: criteria provided, single submitter. Criteria: ACMG Guidelines, 2015. Collection method: clinical testing. Allele origin: germline. Affected: yes.
Comment: The variant is not observed in the gnomAD v4.0.0 dataset. Predicted Consequence/Location: Missense variant In silico tool predictions suggest damaging effect of the variant on gene or gene product [REVEL: 0.97 (>=0.6, sensitivity 0.68 and specificity 0.92); 3Cnet: 0.94 (>=0.6, sensitivity 0.72 and precision 0.9)]. Therefore, this variant is classified as VUS according to the recommendation of ACMG/AMP guideline.